The following is an entry in ClinVar:

ClinVar aggregate classification (germline): Likely pathogenic (1 of 4 stars; one submission).

Conditions:
Ververi-Brady syndrome. Identifiers: MedGen C4693824, MONDO:0979877, MONDO:0060707.

Allele frequency attached by ClinVar (database versions not stated): gnomAD exomes below 0.00001.
gnomAD v4.1: 1 of 1,599,554 alleles (0.000063%); no homozygotes.

Submission:

Greenwood Genetic Center Diagnostic Laboratories, Greenwood Genetic Center
Classification: Likely pathogenic for Ververi-Brady syndrome 1. Last evaluated: 2022-03-30. Review status: criteria provided, single submitter. Criteria: ACMG Guidelines, 2015. Collection method: clinical testing. Allele origin: germline. Affected: yes.
Comment: PVS1, PM2

NM_198880.3(QRICH1):c.1786+1G>A

Gene: QRICH1 (glutamine rich 1; minus strand). Cytogenetic location: 3p21.31.
Variant type: single nucleotide variant.
Coding change: c.1786+1G>A on transcript NM_198880.3 (MANE Select); the canonical splice donor site of the intron after coding-DNA position 1786, G replaced by A.
Molecular consequence: splice donor variant.
Genome position (GRCh38, 1-based): chr3:49,044,389, C>T on the plus strand (G>A on the coding strand, the complement: QRICH1 is on the minus strand). VCF-style: chr3-49044389-C-T. GRCh37 (hg19) VCF-style: chr3-49081822-C-T.
Other names: c.1786+1G>A (NM_001320584.1, NM_001320585.1, NM_017730.4 and 4 more transcripts).
Identifiers: ClinVar variation 1676508 (VCV001676508.3), dbSNP rs2106854800, ClinGen allele CA352757536.